The following is an entry in ClinVar:

ClinVar aggregate classification (germline): Uncertain significance (1 of 4 stars; one submission).

Allele frequency attached by ClinVar (database versions not stated): gnomAD exomes 0.00002; ExAC 0.00004; gnomAD 0.00004; TOPMed 0.00006.

Submission:

Labcorp Genetics (formerly Invitae), Labcorp
Classification: Uncertain significance. Last evaluated: 2024-12-16. Review status: criteria provided, single submitter. Criteria: Invitae Variant Classification Sherloc (09022015). Collection method: clinical testing. Allele origin: germline.
Comment: This sequence change replaces glutamic acid, which is acidic and polar, with aspartic acid, which is acidic and polar, at codon 120 of the HMOX1 protein (p.Glu120Asp). This variant is present in population databases (rs113166818, gnomAD 0.03%). This variant has not been reported in the literature in individuals affected with HMOX1-related conditions. ClinVar contains an entry for this variant (Variation ID: 1379380). An algorithm developed to predict the effect of missense changes on protein structure and function outputs the following: PolyPhen-2: "Benign". The aspartic acid amino acid residue is found in multiple mammalian species, which suggests that this missense change does not adversely affect protein function. In summary, the available evidence is currently insufficient to determine the role of this variant in disease. Therefore, it has been classified as a Variant of Uncertain Significance.

NM_002133.3(HMOX1):c.360G>C (p.Glu120Asp)

Gene: HMOX1 (heme oxygenase 1; plus strand). Cytogenetic location: 22q12.3.
Variant type: single nucleotide variant.
Coding change: c.360G>C on transcript NM_002133.3 (MANE Select); coding-DNA position 360, G replaced by C.
Protein change: p.Glu120Asp; replaces glutamic acid 120 with aspartic acid.
Molecular consequence: missense variant.
Genome position (GRCh38, 1-based): chr22:35,386,900, G>C. VCF-style: chr22-35386900-G-C. GRCh37 (hg19) VCF-style: chr22-35782893-G-C.
Other names: short protein forms E120D.
Identifiers: ClinVar variation 1379380 (VCV001379380.5), dbSNP rs113166818, ClinGen allele CA10204705.